The following is an entry in ClinVar:

ClinVar aggregate classification (germline): Uncertain significance (1 of 4 stars; one submission).

Conditions:
Amyotrophic lateral sclerosis type 8 (ALS8). Identifiers: Orphanet 803, MedGen C1837728, MONDO:0012077, OMIM 608627.
Adult-onset proximal spinal muscular atrophy, autosomal dominant. Also called: Spinal muscular atrophy, late-onset, finkel type; FINKEL LATE-ADULT TYPE SMA. Identifiers: Orphanet 209335, MedGen C1854058, MONDO:0008453, OMIM 182980.

Submission:

Labcorp Genetics (formerly Invitae), Labcorp
Classification: Uncertain significance for Adult-onset proximal spinal muscular atrophy, autosomal dominant; Amyotrophic lateral sclerosis type 8. Last evaluated: 2022-11-16. Review status: criteria provided, single submitter. Criteria: Invitae Variant Classification Sherloc (09022015). Collection method: clinical testing. Allele origin: germline.
Comment: In summary, the available evidence is currently insufficient to determine the role of this variant in disease. Therefore, it has been classified as a Variant of Uncertain Significance. This sequence change replaces cysteine, which is neutral and slightly polar, with arginine, which is basic and polar, at codon 41 of the VAPB protein (p.Cys41Arg). This variant is not present in population databases (gnomAD no frequency). This variant has not been reported in the literature in individuals affected with VAPB-related conditions. Advanced modeling of protein sequence and biophysical properties (such as structural, functional, and spatial information, amino acid conservation, physicochemical variation, residue mobility, and thermodynamic stability) performed at Invitae indicates that this missense variant is expected to disrupt VAPB protein function.

NM_004738.5(VAPB):c.121T>C (p.Cys41Arg)

Gene: VAPB (VAMP associated protein B and C; plus strand). Cytogenetic location: 20q13.32.
Variant type: single nucleotide variant.
Coding change: c.121T>C on transcript NM_004738.5 (MANE Select); coding-DNA position 121, T replaced by C.
Protein change: p.Cys41Arg; replaces cysteine 41 with arginine.
Molecular consequence: missense variant. On other transcripts: non-coding transcript variant (1).
Genome position (GRCh38, 1-based): chr20:58,418,273, T>C. VCF-style: chr20-58418273-T-C. GRCh37 (hg19) VCF-style: chr20-56993329-T-C.
Other names: c.121T>C, p.Cys41Arg (NM_001195677.2); short protein forms C41R.
Identifiers: ClinVar variation 2940464 (VCV002940464.3), dbSNP rs2123058790, ClinGen allele CA409442461.